The following is an entry in ClinVar:

ClinVar aggregate classification (germline): Uncertain significance (1 of 4 stars; one submission).

Conditions:
Tuberous sclerosis 2 (TSC2). Identifiers: Orphanet 805, MedGen C1860707, MONDO:0013199, OMIM 613254.

Submission:

Labcorp Genetics (formerly Invitae), Labcorp
Classification: Uncertain significance for Tuberous sclerosis 2. Last evaluated: 2022-02-09. Review status: criteria provided, single submitter. Criteria: Invitae Variant Classification Sherloc (09022015). Collection method: clinical testing. Allele origin: germline.
Comment: This sequence change replaces lysine, which is basic and polar, with threonine, which is neutral and polar, at codon 144 of the TSC2 protein (p.Lys144Thr). This variant is not present in population databases (gnomAD no frequency). This variant has not been reported in the literature in individuals affected with TSC2-related conditions. Advanced modeling of protein sequence and biophysical properties (such as structural, functional, and spatial information, amino acid conservation, physicochemical variation, residue mobility, and thermodynamic stability) performed at Invitae indicates that this missense variant is not expected to disrupt TSC2 protein function. In summary, the available evidence is currently insufficient to determine the role of this variant in disease. Therefore, it has been classified as a Variant of Uncertain Significance.

NM_000548.5(TSC2):c.431A>C (p.Lys144Thr)

Gene: TSC2 (TSC complex subunit 2; plus strand). Cytogenetic location: 16p13.3.
Variant type: single nucleotide variant.
Coding change: c.431A>C on transcript NM_000548.5 (MANE Select); coding-DNA position 431, A replaced by C.
Protein change: p.Lys144Thr; replaces lysine 144 with threonine.
Molecular consequence: missense variant. On other transcripts: intron variant (1).
Genome position (GRCh38, 1-based): chr16:2,054,390, A>C. VCF-style: chr16-2054390-A-C. GRCh37 (hg19) VCF-style: chr16-2104391-A-C.
Other names: c.431A>C, p.Lys144Thr (NM_001077183.3, NM_001114382.3, NM_001363528.2 and 8 more transcripts); c.320A>C, p.Lys107Thr (NM_001318827.2, NM_001406670.1, NM_001406678.1); c.284A>C, p.Lys95Thr (NM_001318829.2, NM_001406675.1, NM_001406676.1 and 1 more transcripts); c.464A>C, p.Lys155Thr (NM_001318832.2); c.521A>C, p.Lys174Thr (NM_001406667.1, NM_001406668.1); c.374A>C, p.Lys125Thr (NM_001406677.1); c.-386A>C (NM_001406680.1, NM_001406683.1, NM_001406687.1); c.-15A>C (NM_001406681.1); and 6 more; short protein forms K174T, K107T, K144T, K155T, K125T, K95T.
Identifiers: ClinVar variation 2095796 (VCV002095796.1), dbSNP rs769286175, ClinGen allele CA394307331.